The following is an entry in ClinVar:

NM_003383.5(VLDLR):c.1962+2T>C

Gene: VLDLR (very low density lipoprotein receptor; plus strand). Cytogenetic location: 9p24.2.
Variant type: single nucleotide variant.
Coding change: c.1962+2T>C on transcript NM_003383.5 (MANE Select); the canonical splice donor site of the intron after coding-DNA position 1962, T replaced by C.
Molecular consequence: splice donor variant.
Genome position (GRCh38, 1-based): chr9:2,648,349, T>C. VCF-style: chr9-2648349-T-C. GRCh37 (hg19) VCF-style: chr9-2648349-T-C.
Other names: c.1962+2T>C (NM_001018056.3); c.1839+2T>C (NM_001322225.2, NM_001322226.2).
Identifiers: ClinVar variation 635065 (VCV000635065.1), dbSNP rs1563764078, ClinGen allele CA372797799.

ClinVar aggregate classification (germline): Likely pathogenic (1 of 4 stars; one submission).

Conditions:
Cerebellar ataxia, impaired intellectual development, and dysequilibrium syndrome 1. Also called: Cerebellar ataxia, mental retardation, and dysequilibrium syndrome 1; VLDLR Cerebellar Hypoplasia; CEREBELLAR ATAXIA AND MENTAL RETARDATION WITH OR WITHOUT QUADRUPEDAL LOCOMOTION 1; CEREBELLAR ATAXIA, CONGENITAL, AND MENTAL RETARDATION, AUTOSOMAL RECESSIVE; Cerebellar hypoplasia and mental retardation with or without quadrupedal locomotion 1; Cerebellar ataxia, intellectual disability, and dysequilibrium syndrome 1. Identifiers: Orphanet 1766, MedGen C4551552, MONDO:0024542, OMIM 224050.

Submission:

Broad Center for Mendelian Genomics, Broad Institute of MIT and Harvard
Classification: Likely pathogenic for Cerebellar ataxia, impaired intellectual development, and dysequilibrium syndrome 1. Last evaluated: 2018-06-15. Review status: criteria provided, single submitter. Criteria: ACMG Guidelines, 2015. Collection method: research. Allele origin: germline. Inheritance: Autosomal recessive inheritance. Affected: yes.
Comment: This variant was absent from large population studies. The c.1962+2T>C variant occurs in the invariant region (+/- 1/2) of the splice consensus sequence and is predicted to cause altered splicing leading to an abnormal or absent protein. Loss of function of the VLDLR gene is an established disease mechanism in autosomal recessive Cerebellar Ataxia, Mental Retardation, and Dysequilibrium Syndrome, and this is a loss of function variant. In summary, although additional studies are required to fully establish its clinical significance, this variant is likely pathogenic.